The following is an entry in ClinVar:

NM_014804.3(KIAA0753):c.2765A>G (p.Asn922Ser)

Gene: KIAA0753 (KIAA0753; minus strand). Cytogenetic location: 17p13.1.
Variant type: single nucleotide variant.
Coding change: c.2765A>G on transcript NM_014804.3 (MANE Select); coding-DNA position 2765, A replaced by G.
Protein change: p.Asn922Ser; replaces asparagine 922 with serine.
Molecular consequence: missense variant. On other transcripts: non-coding transcript variant (3).
Genome position (GRCh38, 1-based): chr17:6,589,800, T>C on the plus strand (A>G on the coding strand, the complement: KIAA0753 is on the minus strand). VCF-style: chr17-6589800-T-C. GRCh37 (hg19) VCF-style: chr17-6493120-T-C.
Other names: c.1868A>G, p.Asn623Ser (NM_001351225.2); c.2765A>G (NM_014804.2); short protein forms N623S, N922S.
Identifiers: ClinVar variation 2183232 (VCV002183232.3), dbSNP rs199627553, ClinGen allele CA8330059.

ClinVar aggregate classification (germline): Uncertain significance. Review status: criteria provided, multiple submitters, no conflicts (2 of 4 stars). 2 submissions from 2 submitters: Uncertain significance (2). Last evaluated 2024-10-15.

Conditions:
Inborn genetic diseases. Identifiers: MedGen C0950123, MeSH D030342.

Allele frequency attached by ClinVar (database versions not stated): gnomAD exomes 0.00003; ExAC 0.00008; gnomAD 0.00024; ESP Exome Variant Server 0.00025; TOPMed 0.00026.
gnomAD v4.1: 85 of 1,610,488 alleles (0.0053%); highest among the groups gnomAD compares: African/African-American, 0.072%; no homozygotes.

Submissions (2):

Labcorp Genetics (formerly Invitae), Labcorp
Classification: Uncertain significance. Last evaluated: 2024-10-15. Review status: criteria provided, single submitter. Criteria: Invitae Variant Classification Sherloc (09022015). Collection method: clinical testing. Allele origin: germline.
Comment: This sequence change replaces asparagine, which is neutral and polar, with serine, which is neutral and polar, at codon 922 of the KIAA0753 protein (p.Asn922Ser). This variant is present in population databases (rs199627553, gnomAD 0.08%). This variant has not been reported in the literature in individuals affected with KIAA0753-related conditions. ClinVar contains an entry for this variant (Variation ID: 2183232). An algorithm developed to predict the effect of missense changes on protein structure and function (PolyPhen-2) suggests that this variant is likely to be disruptive. In summary, the available evidence is currently insufficient to determine the role of this variant in disease. Therefore, it has been classified as a Variant of Uncertain Significance.

Ambry Genetics
Classification: Uncertain significance for Inborn genetic diseases. Last evaluated: 2023-12-15. Review status: criteria provided, single submitter. Criteria: Ambry Variant Classification Scheme 2023. Collection method: clinical testing. Allele origin: germline.